The following is an entry in ClinVar:

NM_000057.4(BLM):c.1097T>C (p.Ile366Thr)

Gene: BLM (BLM RecQ like helicase; plus strand). Cytogenetic location: 15q26.1.
Variant type: single nucleotide variant.
Coding change: c.1097T>C on transcript NM_000057.4 (MANE Select); coding-DNA position 1097, T replaced by C.
Protein change: p.Ile366Thr; replaces isoleucine 366 with threonine.
Molecular consequence: missense variant. On other transcripts: 5 prime UTR variant (1).
Genome position (GRCh38, 1-based): chr15:90,760,156, T>C. VCF-style: chr15-90760156-T-C. GRCh37 (hg19) VCF-style: chr15-91303386-T-C.
Other names: p.I366T:ATA>ACA; c.1097T>C (LRG_20t1); c.1097T>C, p.Ile366Thr (NM_001287246.2, NM_001287247.2); c.-29T>C (NM_001287248.2); short protein forms I366T.
Identifiers: ClinVar variation 127472 (VCV000127472.26), dbSNP rs571152089, ClinGen allele CA287049.

ClinVar aggregate classification (germline): Conflicting classifications of pathogenicity. Review status: criteria provided, conflicting classifications (1 of 4 stars). 9 submissions from 9 submitters: Uncertain significance (7); Likely benign (2). Last evaluated 2026-04-23.

Conditions:
Bloom syndrome (BLM). Also called: Bloom-Torre-Machacek syndrome. Identifiers: Orphanet 125, MedGen C0005859, MONDO:0008876, OMIM 210900.
Hereditary cancer-predisposing syndrome. Also called: Tumor predisposition; Hereditary neoplastic syndrome; Neoplastic Syndromes, Hereditary; Hereditary Cancer Syndrome. Identifiers: Orphanet 140162, MedGen C0027672, MeSH D009386, MONDO:0015356.

Allele frequency attached by ClinVar (database versions not stated): gnomAD 0.00011 and 0.00013; TOPMed 0.00011; ExAC 0.00018; gnomAD exomes 0.00019; 1000 Genomes Project 0.00020; 1000 Genomes Project 30x 0.00031.
gnomAD v4.1: 293 of 1,611,110 alleles (0.018%); highest among the groups gnomAD compares: Admixed American, 0.035%; no homozygotes.

Submissions (9):

Dasa
Classification: Uncertain significance for Bloom syndrome. Last evaluated: 2026-04-23. Review status: criteria provided, single submitter. Criteria: DASA Assertion Criteria. Collection method: clinical testing. Allele origin: germline.
Comment: NM_000057.4(BLM):c.1097T>C (p.Ile366Thr) is a missense variant that results in the substitution of isoleucine with threonine. This variant is rare in population databases. Computational prediction algorithms are consistent with a benign effect. The currently available literature and clinical evidence are not sufficient to establish a definitive association between this variant and the reported condition. Therefore, this variant is classified as a variant of uncertain significance.

St. Jude Molecular Pathology, St. Jude Children's Research Hospital
Classification: Uncertain significance for Bloom syndrome. Last evaluated: 2026-02-11. Review status: criteria provided, single submitter. Criteria: St. Jude Assertion Criteria 2020. Collection method: clinical testing. Allele origin: germline.
Comment: The BLM c.1097T>C p.(Ile366Thr) missense change has a maximum subpopulation frequency of 0.05% in gnomAD v2.1.1. The in silico tool REVEL predicts a benign effect on protein function, but to our knowledge this prediction has not been confirmed by functional studies. To our knowledge, this variant has not been reported in individuals with Bloom syndrome. In summary, the evidence currently available is insufficient to determine the clinical significance of this variant. It has therefore been classified as of uncertain significance.

Labcorp Genetics (formerly Invitae), Labcorp
Classification: Uncertain significance for Bloom syndrome. Last evaluated: 2026-01-10. Review status: criteria provided, single submitter. Criteria: Invitae Variant Classification Sherloc (09022015). Collection method: clinical testing. Allele origin: germline.
Comment: This sequence change replaces isoleucine, which is neutral and non-polar, with threonine, which is neutral and polar, at codon 366 of the BLM protein (p.Ile366Thr). This variant is present in population databases (rs571152089, gnomAD 0.03%). This variant has not been reported in the literature in individuals affected with BLM-related conditions. ClinVar contains an entry for this variant (Variation ID: 127472). Invitae Evidence Modeling of protein sequence and biophysical properties (such as structural, functional, and spatial information, amino acid conservation, physicochemical variation, residue mobility, and thermodynamic stability) indicates that this missense variant is not expected to disrupt BLM protein function with a negative predictive value of 80%. In summary, the available evidence is currently insufficient to determine the role of this variant in disease. Therefore, it has been classified as a Variant of Uncertain Significance.

Blueprint Genetics
Classification: Likely benign. Last evaluated: 2024-11-05. Review status: criteria provided, single submitter. Criteria: ACMG Guidelines, 2015. Collection method: clinical testing. Allele origin: germline.

Quest Diagnostics Nichols Institute San Juan Capistrano
Classification: Uncertain significance. Last evaluated: 2024-09-29. Review status: criteria provided, single submitter. Criteria: Quest Diagnostics criteria. Collection method: clinical testing. Allele origin: unknown.
Comment: The BLM c.1097T>C (p.Ile366Thr) variant has been reported in the published literature as a somatic mutation in a sample with primary myelofibrosis (PMID: 26979391 (2016)). The frequency of this variant in the general population, 0.00054 (19/35410 chromosomes (Genome Aggregation Database)), is uninformative in the assessment of its pathogenicity. Analysis of this variant using bioinformatics tools for the prediction of the effect of amino acid changes on protein structure and function yielded predictions that this variant is benign. Based on the available information, we are unable to determine the clinical significance of this variant.

GeneDx
Classification: Uncertain significance. Last evaluated: 2024-08-09. Review status: criteria provided, single submitter. Criteria: GeneDx Variant Classification Process June 2021. Collection method: clinical testing. Allele origin: germline. Affected: yes.
Comment: Has not been previously published as pathogenic or benign to our knowledge; In silico analysis indicates that this missense variant does not alter protein structure/function; This variant is associated with the following publications: (PMID: 26979391)

Ambry Genetics
Classification: Likely benign for Hereditary cancer-predisposing syndrome. Last evaluated: 2023-06-28. Review status: criteria provided, single submitter. Criteria: Ambry Variant Classification Scheme 2023. Collection method: clinical testing. Allele origin: germline.

Sema4
Classification: Uncertain significance for Hereditary cancer-predisposing syndrome. Last evaluated: 2022-02-19. Review status: criteria provided, single submitter. Criteria: Sema4 Curation Guidelines. Collection method: curation. Allele origin: germline.
Comment: To the best of our knowledge, the BLM c.1097T>C (p.I366T) variant has not been reported in individuals with BLM-related disease. It was observed in 52/282584 chromosomes across all populations in the large and broad cohorts of the Genome Aggregation Database (PMID: 32461654). The variant has been reported in ClinVar (Variation ID 127472). In silico tools suggest the impact of the variant on protein function is benign, though these predictions have not been confirmed by functional studies. The evidence is insufficient to meet ACMG/AMP criteria for classifying the variant as benign or pathogenic. Thus, the clinical significance of this variant is currently uncertain.

Baylor Genetics
Classification: Uncertain significance for Bloom syndrome. Last evaluated: 2021-05-31. Review status: criteria provided, single submitter. Criteria: ACMG Guidelines, 2015. Collection method: clinical testing. Allele origin: unknown. Affected: yes. Study: CSER-TexasKidsCanSeq.
Comment: This variant was determined to be of uncertain significance according to ACMG Guidelines, 2015 [PMID:25741868].

Literature cited by the submitters: PubMed 26979391 (cited by Quest Diagnostics Nichols Institute San Juan Capistrano).